The following is an entry in ClinVar:

ClinVar aggregate classification (germline): Conflicting classifications of pathogenicity. Review status: criteria provided, conflicting classifications (1 of 4 stars). 9 submissions from 9 submitters: Uncertain significance (5); Likely benign (3). 1 of the submissions does not count toward it. Last evaluated 2026-01-28.

Conditions:
DYNC2H1-related disorder. Also called: DYNC2H1-related disorders; DYNC2H1-related condition. Identifiers: MedGen CN378770.
Jeune thoracic dystrophy. Also called: Jeune syndrome; Infantile thoracic dystrophy; Thoracic pelvic phalangeal dystrophy; Jeune's syndrome; Chondroectodermal dysplasia-like syndrome; Short-rib thoracic dysplasia. Identifiers: Orphanet 474, MedGen C0265275, MONDO:0018770.
Asphyxiating thoracic dystrophy 3. Also called: SHORT-RIB THORACIC DYSPLASIA 3 WITH OR WITHOUT POLYDACTYLY; POLYDACTYLY WITH NEONATAL CHONDRODYSTROPHY, TYPE I; SHORT-RIB THORACIC DYSPLASIA 3/6 WITH POLYDACTYLY, DIGENIC; Short rib polydactyly syndrome 2B; Saldino-Noonan Syndrome. Identifiers: Orphanet 474, Orphanet 93269, Orphanet 93270, Orphanet 93271, MedGen C0036069, MONDO:0013127, OMIM 613091.

Allele frequency attached by ClinVar (database versions not stated): gnomAD exomes 0.00047 and 0.00086; ESP Exome Variant Server 0.00053; TOPMed 0.00117; gnomAD 0.00081 and 0.00085; ExAC 0.00088; 1000 Genomes Project 0.00180; 1000 Genomes Project 30x 0.00187.
gnomAD v4.1: 837 of 1,517,200 alleles (0.055%); highest among the groups gnomAD compares: Middle Eastern, 0.27%; 2 homozygotes.

Submissions (9):

Labcorp Genetics (formerly Invitae), Labcorp
Classification: Likely benign for Jeune thoracic dystrophy. Last evaluated: 2026-01-28. Review status: criteria provided, single submitter. Criteria: Invitae Variant Classification Sherloc (09022015). Collection method: clinical testing. Allele origin: germline.

Blueprint Genetics
Classification: Likely benign. Last evaluated: 2024-11-26. Review status: criteria provided, single submitter. Criteria: ACMG Guidelines, 2015. Collection method: clinical testing. Allele origin: germline.

ARUP Laboratories, Molecular Genetics and Genomics, ARUP Laboratories
Classification: Uncertain significance for Asphyxiating thoracic dystrophy 3. Last evaluated: 2023-11-29. Review status: criteria provided, single submitter. Criteria: ARUP Molecular Germline Variant Investigation Process 2024. Collection method: clinical testing. Allele origin: germline.

Genetic Services Laboratory, University of Chicago
Classification: Uncertain significance. Last evaluated: 2019-09-17. Review status: criteria provided, single submitter. Criteria: ACMG Guidelines, 2015. Collection method: clinical testing. Allele origin: germline. Affected: no.

Fulgent Genetics
Classification: Uncertain significance for Asphyxiating thoracic dystrophy 3. Last evaluated: 2018-10-31. Review status: criteria provided, single submitter. Criteria: ACMG Guidelines, 2015. Collection method: clinical testing. Allele origin: unknown.

GeneDx
Classification: Likely benign. Last evaluated: 2018-07-25. Review status: criteria provided, single submitter. Criteria: GeneDx Variant Classification Process June 2021. Collection method: clinical testing. Allele origin: germline. Affected: yes.

Illumina Laboratory Services, Illumina
Classification: Uncertain significance for Asphyxiating thoracic dystrophy 3. Last evaluated: 2018-01-13. Review status: criteria provided, single submitter. Criteria: ICSL Variant Classification Criteria 13 December 2019. Collection method: clinical testing. Allele origin: germline.

Eurofins Ntd Llc (ga)
Classification: Uncertain significance. Last evaluated: 2017-10-24. Review status: criteria provided, single submitter. Criteria: EGL Classification Definitions 2015. Collection method: clinical testing. Allele origin: germline. Observed: 3 variant alleles, 3 heterozygotes.

PreventionGenetics, part of Exact Sciences
Classification: Benign for DYNC2H1-related condition. Last evaluated: 2022-12-14. Review status: no assertion criteria provided. Collection method: clinical testing. Allele origin: germline. Not counted in ClinVar's aggregate classification.
Comment: This variant is classified as benign based on ACMG/AMP sequence variant interpretation guidelines (Richards et al. 2015 PMID: 25741868, with internal and published modifications).

NM_001377.3(DYNC2H1):c.5695G>A (p.Val1899Ile)

Gene: DYNC2H1 (dynein cytoplasmic 2 heavy chain 1; plus strand). Cytogenetic location: 11q22.3.
Variant type: single nucleotide variant.
Coding change: c.5695G>A on transcript NM_001377.3 (MANE Select); coding-DNA position 5695, G replaced by A.
Protein change: p.Val1899Ile; replaces valine 1899 with isoleucine.
Molecular consequence: missense variant.
Genome position (GRCh38, 1-based): chr11:103,176,255, G>A. VCF-style: chr11-103176255-G-A. GRCh37 (hg19) VCF-style: chr11-103046984-G-A.
Other names: c.5695G>A, p.Val1899Ile (NM_001080463.2); short protein forms V1899I.
Identifiers: ClinVar variation 167010 (VCV000167010.31), dbSNP rs150887098, ClinGen allele CA233920.